The following is an entry in ClinVar:

ClinVar aggregate classification (germline): Uncertain significance (1 of 4 stars; one submission).

Allele frequency attached by ClinVar (database versions not stated): gnomAD exomes below 0.00001.
gnomAD v4.1: 5 of 1,612,794 alleles (0.00031%); highest among the groups gnomAD compares: South Asian, 0.0022%; no homozygotes.

Submission:

Labcorp Genetics (formerly Invitae), Labcorp
Classification: Uncertain significance. Last evaluated: 2022-03-17. Review status: criteria provided, single submitter. Criteria: Invitae Variant Classification Sherloc (09022015). Collection method: clinical testing. Allele origin: germline.
Comment: This sequence change replaces lysine, which is basic and polar, with glutamic acid, which is acidic and polar, at codon 740 of the CNGB3 protein (p.Lys740Glu). This variant is present in population databases (no rsID available, gnomAD 0.003%). This variant has not been reported in the literature in individuals affected with CNGB3-related conditions. Advanced modeling of protein sequence and biophysical properties (such as structural, functional, and spatial information, amino acid conservation, physicochemical variation, residue mobility, and thermodynamic stability) performed at Invitae indicates that this missense variant is not expected to disrupt CNGB3 protein function. In summary, the available evidence is currently insufficient to determine the role of this variant in disease. Therefore, it has been classified as a Variant of Uncertain Significance.

NM_019098.5(CNGB3):c.2218A>G (p.Lys740Glu)

Gene: CNGB3 (cyclic nucleotide gated channel subunit beta 3; minus strand). Cytogenetic location: 8q21.3.
Variant type: single nucleotide variant.
Coding change: c.2218A>G on transcript NM_019098.5 (MANE Select); coding-DNA position 2218, A replaced by G.
Protein change: p.Lys740Glu; replaces lysine 740 with glutamic acid.
Molecular consequence: missense variant.
Genome position (GRCh38, 1-based): chr8:86,576,016, T>C on the plus strand (A>G on the coding strand, the complement: CNGB3 is on the minus strand). VCF-style: chr8-86576016-T-C. GRCh37 (hg19) VCF-style: chr8-87588244-T-C.
Other names: short protein forms K740E.
Identifiers: ClinVar variation 2182137 (VCV002182137.1), dbSNP rs1415159277, ClinGen allele CA371446401.